The following is an entry in ClinVar:

ClinVar aggregate classification (germline): Conflicting classifications of pathogenicity. Review status: criteria provided, conflicting classifications (1 of 4 stars). 5 submissions from 5 submitters: Uncertain significance (1); Benign (1); Likely benign (2). 1 of the submissions does not count toward it. Last evaluated 2026-01-30.

Conditions:
LRP2-related disorder. Also called: LRP2-related condition.
Donnai-Barrow syndrome. Also called: DBS/FOAR SYNDROME; FACIOOCULOACOUSTICORENAL SYNDROME. Identifiers: Orphanet 2143, MedGen C1857277, MONDO:0009104, OMIM 222448.

Allele frequency attached by ClinVar (database versions not stated): gnomAD 0.00002 and 0.00021; TOPMed 0.00004; gnomAD exomes 0.00037 and 0.00100; 1000 Genomes Project 30x 0.00109; 1000 Genomes Project 0.00120; ExAC 0.00265.
gnomAD v4.1: 557 of 1,571,022 alleles (0.035%); highest among the groups gnomAD compares: South Asian, 0.61%; 2 homozygotes.

Submissions (5):

Labcorp Genetics (formerly Invitae), Labcorp
Classification: Benign. Last evaluated: 2026-01-30. Review status: criteria provided, single submitter. Criteria: Invitae Variant Classification Sherloc (09022015). Collection method: clinical testing. Allele origin: germline.

Blueprint Genetics
Classification: Likely benign. Last evaluated: 2024-11-19. Review status: criteria provided, single submitter. Criteria: ACMG Guidelines, 2015. Collection method: clinical testing. Allele origin: germline.

Genome-Nilou Lab
Classification: Likely benign for Donnai-Barrow syndrome. Last evaluated: 2021-07-15. Review status: criteria provided, single submitter. Criteria: ACMG Guidelines, 2015. Collection method: clinical testing. Allele origin: germline. Affected: no.

Genetic Services Laboratory, University of Chicago
Classification: Uncertain significance. Last evaluated: 2014-09-11. Review status: criteria provided, single submitter. Criteria: ACMG Guidelines, 2015. Collection method: clinical testing. Allele origin: germline.

PreventionGenetics, part of Exact Sciences
Classification: Likely benign for LRP2-related condition. Last evaluated: 2020-03-16. Review status: no assertion criteria provided. Collection method: clinical testing. Allele origin: germline. Not counted in ClinVar's aggregate classification.
Comment: This variant is classified as likely benign based on ACMG/AMP sequence variant interpretation guidelines (Richards et al. 2015 PMID: 25741868, with internal and published modifications).

NM_004525.3(LRP2):c.39C>T (p.Leu13=)

Gene: LRP2 (LDL receptor related protein 2; minus strand). Cytogenetic location: 2q31.1.
Variant type: single nucleotide variant.
Coding change: c.39C>T on transcript NM_004525.3 (MANE Select); coding-DNA position 39, C replaced by T.
Protein change: p.Leu13=; no amino-acid change (leucine 13 retained).
Molecular consequence: synonymous variant.
Genome position (GRCh38, 1-based): chr2:169,362,361, G>A on the plus strand (C>T on the coding strand, the complement: LRP2 is on the minus strand). VCF-style: chr2-169362361-G-A. GRCh37 (hg19) VCF-style: chr2-170218871-G-A.
Identifiers: ClinVar variation 211397 (VCV000211397.18), dbSNP rs529649802, ClinGen allele CA206484.